The following is an entry in ClinVar:

ClinVar aggregate classification (germline): Uncertain significance. Review status: criteria provided, multiple submitters, no conflicts (2 of 4 stars). 2 submissions from 2 submitters: Uncertain significance (2). Last evaluated 2025-03-22.

Conditions:
Inborn genetic diseases. Identifiers: MedGen C0950123, MeSH D030342.
Wilms tumor 1 (WT1). Also called: Wilms tumor, somatic. Identifiers: Orphanet 654, MedGen CN033288, MONDO:0008679, OMIM 194070.

Submissions (2):

Ambry Genetics
Classification: Uncertain significance for Inborn genetic diseases. Last evaluated: 2025-03-22. Review status: criteria provided, single submitter. Criteria: Ambry Variant Classification Scheme 2023. Collection method: clinical testing. Allele origin: germline.

Labcorp Genetics (formerly Invitae), Labcorp
Classification: Uncertain significance for Wilms tumor 1. Last evaluated: 2022-07-12. Review status: criteria provided, single submitter. Criteria: Invitae Variant Classification Sherloc (09022015). Collection method: clinical testing. Allele origin: germline.
Comment: In summary, the available evidence is currently insufficient to determine the role of this variant in disease. Therefore, it has been classified as a Variant of Uncertain Significance. This sequence change replaces glycine, which is neutral and non-polar, with aspartic acid, which is acidic and polar, at codon 158 of the GPC3 protein (p.Gly158Asp). This variant is not present in population databases (gnomAD no frequency). This variant has not been reported in the literature in individuals affected with GPC3-related conditions. Algorithms developed to predict the effect of missense changes on protein structure and function are either unavailable or do not agree on the potential impact of this missense change (SIFT: "Tolerated"; PolyPhen-2: "Probably Damaging"; Align-GVGD: "Class C0").

NM_004484.4(GPC3):c.473G>A (p.Gly158Asp)

Gene: GPC3 (glypican 3; minus strand). Cytogenetic location: Xq26.2.
Variant type: single nucleotide variant.
Coding change: c.473G>A on transcript NM_004484.4 (MANE Select); coding-DNA position 473, G replaced by A.
Protein change: p.Gly158Asp; replaces glycine 158 with aspartic acid.
Molecular consequence: missense variant.
Genome position (GRCh38, 1-based): chrX:133,754,041, C>T on the plus strand (G>A on the coding strand, the complement: GPC3 is on the minus strand). VCF-style: chrX-133754041-C-T. GRCh37 (hg19) VCF-style: chrX-132888068-C-T.
Other names: c.473G>A, p.Gly158Asp (NM_001164617.2); c.425G>A, p.Gly142Asp (NM_001164618.2); c.311G>A, p.Gly104Asp (NM_001164619.2); c.473G>A (NM_004484.3); short protein forms G142D, G104D, G158D.
Identifiers: ClinVar variation 1381326 (VCV001381326.7), dbSNP rs2124480739, ClinGen allele CA414706551.